The following is an entry in ClinVar:

NM_001232.4(CASQ2):c.843_847del (p.Tyr282fs)

Gene: CASQ2 (calsequestrin 2; minus strand). Cytogenetic location: 1p13.1.
Variant type: Deletion.
Coding change: c.843_847del on transcript NM_001232.4 (MANE Select); coding-DNA positions 843 to 847, 5 bases deleted (CTACG; older notation c.843_847delCTACG).
Protein change: p.Tyr282fs; shifts the reading frame from tyrosine 282.
Molecular consequence: frameshift variant.
Genome position (GRCh38, 1-based): chr1:115,705,284-115,705,288, CGTAG deleted on the plus strand (CTACG on the coding strand, the reverse complement: CASQ2 is on the minus strand); deleting any 5 consecutive bases within chr1:115,705,284-115,705,289 gives the same sequence; the c. name uses the placement nearest the transcript's 3' end. VCF-style (leftmost placement, unchanged base first): chr1-115705283-TCGTAG-T. GRCh37 (hg19) VCF-style: chr1-116247904-TCGTAG-T.
Other names: short protein forms Y282fs.
Identifiers: ClinVar variation 3722584 (VCV003722584.2).

ClinVar aggregate classification (germline): Pathogenic (1 of 4 stars; one submission).

Conditions:
Catecholaminergic polymorphic ventricular tachycardia 1. Also called: VENTRICULAR TACHYCARDIA, STRESS-INDUCED POLYMORPHIC 1; VENTRICULAR TACHYCARDIA, CATECHOLAMINERGIC POLYMORPHIC, 1, WITH OR WITHOUT ATRIAL DYSFUNCTION AND/OR DILATED CARDIOMYOPATHY; RYR2-Related Catecholaminergic Polymorphic Ventricular Tachycardia. Identifiers: Orphanet 3286, MedGen C1631597, MONDO:0011484, OMIM 604772.

Submission:

Labcorp Genetics (formerly Invitae), Labcorp
Classification: Pathogenic for Catecholaminergic polymorphic ventricular tachycardia 1. Last evaluated: 2024-12-18. Review status: criteria provided, single submitter. Criteria: Invitae Variant Classification Sherloc (09022015). Collection method: clinical testing. Allele origin: germline.
Comment: This sequence change creates a premature translational stop signal (p.Tyr282Ilefs*14) in the CASQ2 gene. It is expected to result in an absent or disrupted protein product. Loss-of-function variants in CASQ2 are known to be pathogenic (PMID: 12386154). This variant is not present in population databases (gnomAD no frequency). This variant has not been reported in the literature in individuals affected with CASQ2-related conditions. For these reasons, this variant has been classified as Pathogenic.

Literature cited by the submitters: PubMed 12386154.